The following is an entry in ClinVar:

NM_002838.5(PTPRC):c.1704A>G (p.Leu568=)

Gene: PTPRC (protein tyrosine phosphatase receptor type C; plus strand). Cytogenetic location: 1q32.1.
Variant type: single nucleotide variant.
Coding change: c.1704A>G on transcript NM_002838.5 (MANE Select); coding-DNA position 1704, A replaced by G.
Protein change: p.Leu568=; no amino-acid change (leucine 568 retained).
Molecular consequence: synonymous variant.
Genome position (GRCh38, 1-based): chr1:198,722,460, A>G. VCF-style: chr1-198722460-A-G. GRCh37 (hg19) VCF-style: chr1-198691589-A-G.
Other names: c.1221A>G, p.Leu407= (NM_080921.4).
Identifiers: ClinVar variation 533074 (VCV000533074.22), dbSNP rs148811970, ClinGen allele CA1314868.

ClinVar aggregate classification (germline): Benign/Likely benign. Review status: criteria provided, multiple submitters, no conflicts (2 of 4 stars). 3 submissions from 3 submitters: Benign (1); Likely benign (2). Last evaluated 2025-05-01.

Conditions:
Immunodeficiency 104. Also called: Severe Combined Immune Deficiency, Autosomal Recessive, TCell -Negative, B Cell-Positive, NK Cell-Positive, IL7R-Related; SCID, AUTOSOMAL RECESSIVE, T CELL-NEGATIVE, B CELL-POSITIVE, NK CELL-POSITIVE; Severe combined immunodeficiency, autosomal recessive, T cell-negative, B cell-positive, NK cell-positive; IMMUNODEFICIENCY 104, SEVERE COMBINED. Identifiers: MedGen C5676890, MONDO:0012163, OMIM 608971.

Allele frequency attached by ClinVar (database versions not stated): ESP Exome Variant Server 0.00008; TOPMed 0.00008; 1000 Genomes Project 30x 0.00047; gnomAD exomes 0.00055 and 0.00122; 1000 Genomes Project 0.00060; ExAC 0.00080; gnomAD 0.00102 and 0.00109.
gnomAD v4.1: 867 of 1,465,424 alleles (0.059%); highest among the groups gnomAD compares: Non-Finnish European, 0.021%; 6 homozygotes.

Submissions (3):

CeGaT Center for Human Genetics Tuebingen
Classification: Likely benign. Last evaluated: 2025-05-01. Review status: criteria provided, single submitter. Criteria: CeGaT Center For Human Genetics Tuebingen Variant Classification Criteria Version 2. Collection method: clinical testing. Allele origin: germline. Affected: yes. Observed: 1 variant allele.
Comment: PTPRC: BP4, BP7

Blueprint Genetics
Classification: Likely benign. Last evaluated: 2024-11-04. Review status: criteria provided, single submitter. Criteria: ACMG Guidelines, 2015. Collection method: clinical testing. Allele origin: germline.

Labcorp Genetics (formerly Invitae), Labcorp
Classification: Benign for Immunodeficiency 104. Last evaluated: 2020-03-25. Review status: criteria provided, single submitter. Criteria: Invitae Variant Classification Sherloc (09022015). Collection method: clinical testing. Allele origin: germline.